The following is an entry in ClinVar:

ClinVar aggregate classification (germline): Uncertain significance (1 of 4 stars; one submission).

gnomAD v4.1: 815 of 1,613,838 alleles (0.051%); highest among the groups gnomAD compares: Non-Finnish European, 0.065%; no homozygotes.

Submission:

GeneDx
Classification: Uncertain significance. Last evaluated: 2026-03-28. Review status: criteria provided, single submitter. Criteria: GeneDx Variant Classification Process June 2021. Collection method: clinical testing. Allele origin: germline.
Comment: In silico analysis supports that this missense variant has a deleterious effect on protein structure/function; Has not been previously published as pathogenic or benign to our knowledge

NM_020314.7(VPS35L):c.1940G>A (p.Gly647Asp)

Gene: VPS35L (VPS35 endosomal protein sorting factor like; plus strand). Cytogenetic location: 16p12.3.
Variant type: single nucleotide variant.
Coding change: c.1940G>A on transcript NM_020314.7 (MANE Select); coding-DNA position 1940, G replaced by A.
Protein change: p.Gly647Asp; replaces glycine 647 with aspartic acid.
Molecular consequence: missense variant. On other transcripts: non-coding transcript variant (2).
Genome position (GRCh38, 1-based): chr16:19,647,794, G>A. VCF-style: chr16-19647794-G-A. GRCh37 (hg19) VCF-style: chr16-19659116-G-A.
Other names: c.1739G>A, p.Gly580Asp (NM_001300743.3, NM_001365294.2); c.1940G>A, p.Gly647Asp (NM_001365293.2); c.1052G>A, p.Gly351Asp (NM_001365295.2); short protein forms G351D, G580D, G647D.
Identifiers: ClinVar variation 5017849 (VCV005017849.1).
Genomic context (GRCh38, chr16:19,647,794, plus strand): 5'-CTCTCTAAAAATACCACTGTCCCTTTCAGCGTCTTTCTCCTTGATTCTAGGTTTCCTTTG[G>A]CCGTGATTTTGAACAACAGCTGAGTTTTTATGTTGAGTCCAGGTCGATGTTTTGCAATCT-3'
Protein context (NP_064710.5, residues 637-657): INGFIKMVSF[Gly647Asp]RDFEQQLSFY